The following is an entry in ClinVar:

NM_001365951.3(KIF1B):c.601A>G (p.Lys201Glu)

Gene: KIF1B (kinesin family member 1B; plus strand). Cytogenetic location: 1p36.22.
Variant type: single nucleotide variant.
Coding change: c.601A>G on transcript NM_001365951.3 (MANE Select); coding-DNA position 601, A replaced by G.
Protein change: p.Lys201Glu; replaces lysine 201 with glutamic acid.
Molecular consequence: missense variant.
Genome position (GRCh38, 1-based): chr1:10,267,551, A>G. VCF-style: chr1-10267551-A-G. GRCh37 (hg19) VCF-style: chr1-10327609-A-G.
Other names: c.601A>G, p.Lys201Glu (NM_001365952.1, NM_001365953.1, NM_015074.3 and 1 more transcripts); short protein forms K201E.
Identifiers: ClinVar variation 1751106 (VCV001751106.2), dbSNP rs760702863, ClinGen allele CA580732.
Genomic context (GRCh38, chr1:10,267,551, plus strand): 5'-CTGTCCAAGTTGGCAGTTACTTCCTACACAGACATTGCTGACCTCATGGATGCTGGGAAC[A>G]AAGCCAGGTATGGTAGGAAATAGAGTAATGACTGAGGTCTTTGGCACCTTTTGAGGTCCT-3'
Protein context (NP_001352880.1, residues 191-211): DIADLMDAGN[Lys201Glu]ARTVAATNMN

ClinVar aggregate classification (germline): Uncertain significance (1 of 4 stars; one submission).

Allele frequency attached by ClinVar (database versions not stated): ExAC 0.00001.

Submission:

Ambry Genetics
Classification: Uncertain significance. Last evaluated: 2022-08-17. Review status: criteria provided, single submitter. Criteria: Ambry Variant Classification Scheme 2023. Collection method: clinical testing. Allele origin: germline.
Comment: The p.K201E variant (also known as c.601A>G), located in coding exon 5 of the KIF1B gene, results from an A to G substitution at nucleotide position 601. The lysine at codon 201 is replaced by glutamic acid, an amino acid with similar properties. This amino acid position is conserved. In addition, this alteration is predicted to be deleterious by in silico analysis. Since supporting evidence is limited at this time, the clinical significance of this alteration remains unclear.